The following is an entry in ClinVar:

NM_000095.3(COMP):c.142G>A (p.Val48Met)

Gene: COMP (cartilage oligomeric matrix protein; minus strand). Cytogenetic location: 19p13.11.
Variant type: single nucleotide variant.
Coding change: c.142G>A on transcript NM_000095.3 (MANE Select); coding-DNA position 142, G replaced by A.
Protein change: p.Val48Met; replaces valine 48 with methionine.
Molecular consequence: missense variant.
Genome position (GRCh38, 1-based): chr19:18,790,873, C>T on the plus strand (G>A on the coding strand, the complement: COMP is on the minus strand). VCF-style: chr19-18790873-C-T. GRCh37 (hg19) VCF-style: chr19-18901682-C-T.
Other names: short protein forms V48M.
Identifiers: ClinVar variation 2976697 (VCV002976697.3), dbSNP rs1418225765, ClinGen allele CA404899748.

ClinVar aggregate classification (germline): Uncertain significance (1 of 4 stars; one submission).

gnomAD v4.1: 9 of 1,567,922 alleles (0.00057%); highest among the groups gnomAD compares: African/African-American, 0.0027%; no homozygotes.

Submission:

Labcorp Genetics (formerly Invitae), Labcorp
Classification: Uncertain significance. Last evaluated: 2024-10-17. Review status: criteria provided, single submitter. Criteria: Invitae Variant Classification Sherloc (09022015). Collection method: clinical testing. Allele origin: germline.
Comment: This sequence change replaces valine, which is neutral and non-polar, with methionine, which is neutral and non-polar, at codon 48 of the COMP protein (p.Val48Met). This variant is not present in population databases (gnomAD no frequency). This variant has not been reported in the literature in individuals affected with COMP-related conditions. Invitae Evidence Modeling of protein sequence and biophysical properties (such as structural, functional, and spatial information, amino acid conservation, physicochemical variation, residue mobility, and thermodynamic stability) indicates that this missense variant is not expected to disrupt COMP protein function with a negative predictive value of 80%. In summary, the available evidence is currently insufficient to determine the role of this variant in disease. Therefore, it has been classified as a Variant of Uncertain Significance.